The following is an entry in ClinVar:

ClinVar aggregate classification (germline): Pathogenic (1 of 4 stars; one submission).

Conditions:
Breast-ovarian cancer, familial, susceptibility to, 1 (BROVCA1). Also called: OVARIAN CANCER, SUSCEPTIBILITY TO; BRCA1 Hereditary Breast and Ovarian Cancer. Identifiers: Orphanet 145, MedGen C2676676, MONDO:0011450, OMIM 604370. Disease mechanism: loss of function.

Submission:

Myriad Genetics, Inc.
Classification: Pathogenic for Breast-ovarian cancer, familial, susceptibility to, 1. Last evaluated: 2026-08-06. Review status: criteria provided, single submitter. Criteria: Myriad Autosomal Dominant, Autosomal Recessive and X-Linked Classification Criteria (2023). Collection method: clinical testing. Allele origin: unknown.
Comment: This variant is considered pathogenic. This variant creates a frameshift predicted to result in premature protein truncation.

NM_007294.4(BRCA1):c.3814_3815insCA (p.Asn1272fs)

Genes: BRCA1 (BRCA1 DNA repair associated; minus strand), LOC126862571 (BRD4-independent group 4 enhancer GRCh37_chr17:41243136-41244335; plus strand). Cytogenetic location: 17q21.31.
Variant type: Insertion.
Coding change: c.3814_3815insCA on transcript NM_007294.4 (MANE Select); coding-DNA positions 3814 to 3815, CA inserted.
Protein change: p.Asn1272fs; shifts the reading frame from asparagine 1272.
Molecular consequence: frameshift variant. On other transcripts: intron variant (135).
Genome position: GRCh38 VCF-style: chr17-43091716-T-TTG. GRCh37 (hg19) VCF-style: chr17-41243733-T-TTG.
Other names: c.3481_3482insCA, p.Asn1161fs (NM_001407947.1, NM_001407948.1, NM_001407949.1 and 6 more transcripts); c.3478_3479insCA, p.Asn1160fs (NM_001407954.1, NM_001407955.1, NM_001407956.1 and 1 more transcripts); c.3673_3674insCA, p.Asn1225fs (NM_001407945.1, NM_001407692.1, NM_001407694.1 and 29 more transcripts); c.3736_3737insCA, p.Asn1246fs (NM_001407663.1, NM_001407653.1, NM_001407654.1 and 4 more transcripts); c.3691_3692insCA, p.Asn1231fs (NM_001407664.1, NM_001407665.1, NM_001407666.1 and 19 more transcripts); c.3688_3689insCA, p.Asn1230fs (NM_001407670.1, NM_001407671.1, NM_001407672.1 and 11 more transcripts); c.3814_3815insCA, p.Asn1272fs (NM_001407684.1, NM_001407854.1, NM_001407858.1 and 30 more transcripts); c.3670_3671insCA, p.Asn1224fs (NM_001407740.1, NM_001407741.1, NM_001407742.1 and 20 more transcripts); and 41 more; short protein forms N1104fs, N1144fs, N1145fs, N1160fs, N1161fs, N1183fs, N1184fs, N1201fs.
Identifiers: ClinVar variation 5042243 (VCV005042243.1).